The following is an entry in ClinVar:

ClinVar aggregate classification (germline): Uncertain significance. Review status: criteria provided, multiple submitters, no conflicts (2 of 4 stars). 3 submissions from 3 submitters: Uncertain significance (3). Last evaluated 2023-03-04.

Conditions:
Cardiomyopathy (CMYO). Also called: Cardiomyopathies. Identifiers: Orphanet 167848, MedGen C0878544, MONDO:0004994, HP:0001638. Inheritance: Various modes of inheritance.

Submissions (3):

All of Us Research Program, National Institutes of Health
Classification: Uncertain significance for Cardiomyopathy. Last evaluated: 2023-03-04. Review status: criteria provided, single submitter. Criteria: ACMG Guidelines, 2015. Collection method: clinical testing. Allele origin: germline. Inheritance: Autosomal dominant inheritance. Observed: 1 variant allele, 1 heterozygote.
Comment: This study involves interpretation of variants in research participants for the purpose of population health screening. Participant phenotype was not available at the time of variant classification. Additional details can be found in publication PMID: 35346344, PMCID: PMC8962531

GeneDx
Classification: Uncertain significance. Last evaluated: 2022-12-22. Review status: criteria provided, single submitter. Criteria: GeneDx Variant Classification Process June 2021. Collection method: clinical testing. Allele origin: germline. Affected: yes.
Comment: Has not been previously published as pathogenic or benign to our knowledge; Not observed at significant frequency in large population cohorts (gnomAD); In silico analysis supports that this missense variant does not alter protein structure/function; This variant is associated with the following publications: (PMID: 27532257, 29300372)

CHEO Genetics Diagnostic Laboratory, Children's Hospital of Eastern Ontario
Classification: Uncertain significance for Cardiomyopathy. Last evaluated: 2018-04-16. Review status: criteria provided, single submitter. Criteria: ACMG Guidelines, 2015. Collection method: clinical testing. Allele origin: germline.

NM_000257.4(MYH7):c.2585C>G (p.Ala862Gly)

Genes: MYH7 (myosin heavy chain 7; minus strand), LOC126861898 (BRD4-independent group 4 enhancer GRCh37_chr14:23893609-23894808; plus strand). Cytogenetic location: 14q11.2.
Variant type: single nucleotide variant.
Coding change: c.2585C>G on transcript NM_000257.4 (MANE Select); coding-DNA position 2585, C replaced by G.
Protein change: p.Ala862Gly; replaces alanine 862 with glycine.
Molecular consequence: missense variant.
Genome position (GRCh38, 1-based): chr14:23,424,863, G>C on the plus strand (C>G on the coding strand, the complement: MYH7 is on the minus strand). VCF-style: chr14-23424863-G-C. GRCh37 (hg19) VCF-style: chr14-23894072-G-C.
Other names: short protein forms A862G.
Identifiers: ClinVar variation 915536 (VCV000915536.4), dbSNP rs149576470, ClinGen allele CA389048086.